The following is an entry in ClinVar:

ClinVar aggregate classification (germline): Uncertain significance (1 of 4 stars; one submission).

Conditions:
2-aminoadipic 2-oxoadipic aciduria (AAKAD). Also called: Aminoadipic aciduria; ALPHA-AMINOADIPIC AND ALPHA-KETOADIPIC ACIDURIA. Identifiers: Orphanet 79154, MedGen C1859817, MONDO:0008774, OMIM 204750.

Allele frequency attached by ClinVar (database versions not stated): ExAC 0.00001; gnomAD exomes 0.00001; TOPMed 0.00001; gnomAD 0.00002; ESP Exome Variant Server 0.00023.
gnomAD v4.1: 12 of 1,613,122 alleles (0.00074%); highest among the groups gnomAD compares: African/African-American, 0.012%; no homozygotes.

Submission:

Labcorp Genetics (formerly Invitae), Labcorp
Classification: Uncertain significance for 2-aminoadipic 2-oxoadipic aciduria. Last evaluated: 2024-06-28. Review status: criteria provided, single submitter. Criteria: Invitae Variant Classification Sherloc (09022015). Collection method: clinical testing. Allele origin: germline.
Comment: This sequence change replaces alanine, which is neutral and non-polar, with threonine, which is neutral and polar, at codon 8 of the DHTKD1 protein (p.Ala8Thr). This variant is present in population databases (rs371803487, gnomAD 0.02%). This variant has not been reported in the literature in individuals affected with DHTKD1-related conditions. ClinVar contains an entry for this variant (Variation ID: 1426935). Experimental studies and prediction algorithms are not available or were not evaluated, and the functional significance of this variant is currently unknown. In summary, the available evidence is currently insufficient to determine the role of this variant in disease. Therefore, it has been classified as a Variant of Uncertain Significance.

NM_018706.7(DHTKD1):c.22G>A (p.Ala8Thr)

Gene: DHTKD1 (dehydrogenase E1 and transketolase domain containing 1; plus strand). Cytogenetic location: 10p14.
Variant type: single nucleotide variant.
Coding change: c.22G>A on transcript NM_018706.7 (MANE Select); coding-DNA position 22, G replaced by A.
Protein change: p.Ala8Thr; replaces alanine 8 with threonine.
Molecular consequence: missense variant.
Genome position (GRCh38, 1-based): chr10:12,069,055, G>A. VCF-style: chr10-12069055-G-A. GRCh37 (hg19) VCF-style: chr10-12111054-G-A.
Other names: short protein forms A8T.
Identifiers: ClinVar variation 1426935 (VCV001426935.9), dbSNP rs371803487, ClinGen allele CA5407411.